The following is an entry in ClinVar:

NM_031935.3(HMCN1):c.6229G>T (p.Asp2077Tyr)

Gene: HMCN1 (hemicentin 1; plus strand). Cytogenetic location: 1q31.1.
Variant type: single nucleotide variant.
Coding change: c.6229G>T on transcript NM_031935.3 (MANE Select); coding-DNA position 6229, G replaced by T.
Protein change: p.Asp2077Tyr; replaces aspartic acid 2077 with tyrosine.
Molecular consequence: missense variant.
Genome position (GRCh38, 1-based): chr1:186,041,061, G>T. VCF-style: chr1-186041061-G-T. GRCh37 (hg19) VCF-style: chr1-186010193-G-T.
Other names: short protein forms D2077Y.
Identifiers: ClinVar variation 2746577 (VCV002746577.3), dbSNP rs144448119, ClinGen allele CA343899362.

ClinVar aggregate classification (germline): Uncertain significance (1 of 4 stars; one submission).

Submission:

Labcorp Genetics (formerly Invitae), Labcorp
Classification: Uncertain significance. Last evaluated: 2023-05-29. Review status: criteria provided, single submitter. Criteria: Invitae Variant Classification Sherloc (09022015). Collection method: clinical testing. Allele origin: germline.
Comment: This sequence change replaces aspartic acid, which is acidic and polar, with tyrosine, which is neutral and polar, at codon 2077 of the HMCN1 protein (p.Asp2077Tyr). In summary, the available evidence is currently insufficient to determine the role of this variant in disease. Therefore, it has been classified as a Variant of Uncertain Significance. An algorithm developed to predict the effect of missense changes on protein structure and function (PolyPhen-2) suggests that this variant is likely to be disruptive. This variant has not been reported in the literature in individuals affected with HMCN1-related conditions. This variant is not present in population databases (gnomAD no frequency).